The following is an entry in ClinVar:

NM_004304.5(ALK):c.3944T>G (p.Phe1315Cys)

Gene: ALK (ALK receptor tyrosine kinase; minus strand). Cytogenetic location: 2p23.2.
Variant type: single nucleotide variant.
Coding change: c.3944T>G on transcript NM_004304.5 (MANE Select); coding-DNA position 3944, T replaced by G.
Protein change: p.Phe1315Cys; replaces phenylalanine 1315 with cysteine.
Molecular consequence: missense variant.
Genome position (GRCh38, 1-based): chr2:29,197,671, A>C on the plus strand (T>G on the coding strand, the complement: ALK is on the minus strand). VCF-style: chr2-29197671-A-C. GRCh37 (hg19) VCF-style: chr2-29420537-A-C.
Other names: c.740T>G, p.Phe247Cys (NM_001353765.2); short protein forms F247C, F1315C.
Identifiers: ClinVar variation 4040280 (VCV004040280.1).

ClinVar aggregate classification (germline): Uncertain significance (1 of 4 stars; one submission).

Conditions:
Hereditary cancer-predisposing syndrome. Also called: Neoplastic Syndromes, Hereditary; Tumor predisposition; Hereditary neoplastic syndrome; Hereditary Cancer Syndrome. Identifiers: Orphanet 140162, MedGen C0027672, MeSH D009386, MONDO:0015356.

gnomAD v4.1: 5 of 1,613,738 alleles (0.00031%); highest among the groups gnomAD compares: Non-Finnish European, 0.00042%; no homozygotes.

Submission:

Ambry Genetics
Classification: Uncertain significance for Hereditary cancer-predisposing syndrome. Last evaluated: 2025-03-20. Review status: criteria provided, single submitter. Criteria: Ambry Variant Classification Scheme 2023. Collection method: clinical testing. Allele origin: germline.
Comment: The p.F1315C variant (also known as c.3944T>G), located in coding exon 27 of the ALK gene, results from a T to G substitution at nucleotide position 3944. The phenylalanine at codon 1315 is replaced by cysteine, an amino acid with highly dissimilar properties. This amino acid position is conserved. In addition, this alteration is predicted to be deleterious by in silico analysis. Based on the available evidence, the clinical significance of this variant remains unclear.